The following is an entry in ClinVar:

NM_006231.4(POLE):c.2638A>G (p.Thr880Ala)

Gene: POLE (DNA polymerase epsilon, catalytic subunit; minus strand). Cytogenetic location: 12q24.33.
Variant type: single nucleotide variant.
Coding change: c.2638A>G on transcript NM_006231.4 (MANE Select); coding-DNA position 2638, A replaced by G.
Protein change: p.Thr880Ala; replaces threonine 880 with alanine.
Molecular consequence: missense variant.
Genome position (GRCh38, 1-based): chr12:132,664,072, T>C on the plus strand (A>G on the coding strand, the complement: POLE is on the minus strand). VCF-style: chr12-132664072-T-C. GRCh37 (hg19) VCF-style: chr12-133240658-T-C.
Other names: short protein forms T880A.
Identifiers: ClinVar variation 240438 (VCV000240438.15), dbSNP rs138548494, ClinGen allele CA6893486.

ClinVar aggregate classification (germline): Uncertain significance. Review status: criteria provided, multiple submitters, no conflicts (2 of 4 stars). 2 submissions from 2 submitters: Uncertain significance (2). Last evaluated 2026-01-13.

Conditions:
Hereditary cancer-predisposing syndrome. Also called: Tumor predisposition; Neoplastic Syndromes, Hereditary; Hereditary Cancer Syndrome; Hereditary neoplastic syndrome. Identifiers: Orphanet 140162, MedGen C0027672, MeSH D009386, MONDO:0015356.

Allele frequency attached by ClinVar (database versions not stated): gnomAD 0.00001; ExAC 0.00002; TOPMed 0.00002; ESP Exome Variant Server 0.00008; 1000 Genomes Project 30x 0.00016.
gnomAD v4.1: 6 of 1,614,206 alleles (0.00037%); highest among the groups gnomAD compares: Middle Eastern, 0.016%; no homozygotes.

Submissions (2):

Labcorp Genetics (formerly Invitae), Labcorp
Classification: Uncertain significance. Last evaluated: 2026-01-13. Review status: criteria provided, single submitter. Criteria: Invitae Variant Classification Sherloc (09022015). Collection method: clinical testing. Allele origin: germline.
Comment: This sequence change replaces threonine, which is neutral and polar, with alanine, which is neutral and non-polar, at codon 880 of the POLE protein (p.Thr880Ala). This variant is present in population databases (rs138548494, gnomAD 0.007%). This variant has not been reported in the literature in individuals affected with POLE-related conditions. ClinVar contains an entry for this variant (Variation ID: 240438). Invitae Evidence Modeling of protein sequence and biophysical properties (such as structural, functional, and spatial information, amino acid conservation, physicochemical variation, residue mobility, and thermodynamic stability) indicates that this missense variant is not expected to disrupt POLE protein function with a negative predictive value of 80%. In summary, the available evidence is currently insufficient to determine the role of this variant in disease. Therefore, it has been classified as a Variant of Uncertain Significance.

Ambry Genetics
Classification: Uncertain significance for Hereditary cancer-predisposing syndrome. Last evaluated: 2025-12-11. Review status: criteria provided, single submitter. Criteria: Ambry Variant Classification Scheme 2023. Collection method: clinical testing. Allele origin: germline.
Comment: The p.T880A variant (also known as c.2638A>G), located in coding exon 23 of the POLE gene, results from an A to G substitution at nucleotide position 2638. The threonine at codon 880 is replaced by alanine, an amino acid with similar properties. This amino acid position is conserved. In addition, this alteration is predicted to be tolerated by in silico analysis. Since supporting evidence is limited at this time, the clinical significance of this alteration remains unclear.